The following is an entry in ClinVar:

ClinVar aggregate classification (germline): Uncertain significance (1 of 4 stars; one submission).

Allele frequency attached by ClinVar (database versions not stated): 1000 Genomes Project 0.00040; 1000 Genomes Project 30x 0.00062.
gnomAD v4.1: 26 of 1,613,544 alleles (0.0016%); highest among the groups gnomAD compares: East Asian, 0.0045%; no homozygotes.

Submission:

Labcorp Genetics (formerly Invitae), Labcorp
Classification: Uncertain significance. Last evaluated: 2022-03-31. Review status: criteria provided, single submitter. Criteria: Invitae Variant Classification Sherloc (09022015). Collection method: clinical testing. Allele origin: germline.
Comment: This variant has not been reported in the literature in individuals affected with MTMR14-related conditions. In summary, the available evidence is currently insufficient to determine the role of this variant in disease. Therefore, it has been classified as a Variant of Uncertain Significance. Algorithms developed to predict the effect of missense changes on protein structure and function output the following: SIFT: "Deleterious"; PolyPhen-2: "Benign"; Align-GVGD: "Class C0". The methionine amino acid residue is found in multiple mammalian species, which suggests that this missense change does not adversely affect protein function. This variant is present in population databases (rs187675974, gnomAD 0.004%). This sequence change replaces valine, which is neutral and non-polar, with methionine, which is neutral and non-polar, at codon 465 of the MTMR14 protein (p.Val465Met).

NM_001077525.3(MTMR14):c.1393G>A (p.Val465Met)

Gene: MTMR14 (myotubularin related protein 14; plus strand). Cytogenetic location: 3p25.3.
Variant type: single nucleotide variant.
Coding change: c.1393G>A on transcript NM_001077525.3 (MANE Select); coding-DNA position 1393, G replaced by A.
Protein change: p.Val465Met; replaces valine 465 with methionine.
Molecular consequence: missense variant. On other transcripts: non-coding transcript variant (9).
Genome position (GRCh38, 1-based): chr3:9,689,042, G>A. VCF-style: chr3-9689042-G-A. GRCh37 (hg19) VCF-style: chr3-9730726-G-A.
Other names: c.1393G>A, p.Val465Met (NM_001077526.3, NM_022485.5); c.1462G>A, p.Val488Met (NM_001400518.1, NM_001400521.1); c.1390G>A, p.Val464Met (NM_001400519.1, NM_001400522.1); c.1318G>A, p.Val440Met (NM_001400520.1, NM_001400523.1, NM_001400528.1); c.1147G>A, p.Val383Met (NM_001400524.1, NM_001400527.1, NM_001400530.1); c.1111G>A, p.Val371Met (NM_001400525.1, NM_001400529.1, NM_001400532.1); c.1387G>A, p.Val463Met (NM_001400526.1); c.1144G>A, p.Val382Met (NM_001400531.1); and 5 more; short protein forms V178M, V382M, V346M, V464M, V488M, V226M, V358M, V371M.
Identifiers: ClinVar variation 2139569 (VCV002139569.4), dbSNP rs187675974, ClinGen allele CA2240749.